The following is an entry in ClinVar:

NM_024537.4(CARS2):c.1008C>T (p.Ser336=)

Gene: CARS2 (cysteinyl-tRNA synthetase 2, mitochondrial; minus strand). Cytogenetic location: 13q34.
Variant type: single nucleotide variant.
Coding change: c.1008C>T on transcript NM_024537.4 (MANE Select); coding-DNA position 1008, C replaced by T.
Protein change: p.Ser336=; no amino-acid change (serine 336 retained).
Molecular consequence: synonymous variant. On other transcripts: non-coding transcript variant (2).
Genome position (GRCh38, 1-based): chr13:110,651,080, G>A on the plus strand (C>T on the coding strand, the complement: CARS2 is on the minus strand). VCF-style: chr13-110651080-G-A. GRCh37 (hg19) VCF-style: chr13-111303427-G-A.
Other names: c.222C>T, p.Ser74= (NM_001352252.2).
Identifiers: ClinVar variation 515228 (VCV000515228.8), dbSNP rs1313306865, ClinGen allele CA484816890.

ClinVar aggregate classification (germline): Likely benign. Review status: criteria provided, multiple submitters, no conflicts (2 of 4 stars). 2 submissions from 2 submitters: Likely benign (2). Last evaluated 2023-02-04.

Conditions:
Combined oxidative phosphorylation defect type 27. Also called: Combined oxidative phosphorylation deficiency 27. Identifiers: Orphanet 477774, MedGen C5567608, MONDO:0014728, OMIM 616672.

Allele frequency attached by ClinVar (database versions not stated): gnomAD exomes below 0.00001 and 0.00002; gnomAD 0.00001; TOPMed 0.00001.
gnomAD v4.1: 31 of 1,613,366 alleles (0.0019%); highest among the groups gnomAD compares: Non-Finnish European, 0.0025%; no homozygotes.

Submissions (2):

Labcorp Genetics (formerly Invitae), Labcorp
Classification: Likely benign for Combined oxidative phosphorylation defect type 27. Last evaluated: 2023-02-04. Review status: criteria provided, single submitter. Criteria: Invitae Variant Classification Sherloc (09022015). Collection method: clinical testing. Allele origin: germline.

GeneDx
Classification: Likely benign. Last evaluated: 2018-02-05. Review status: criteria provided, single submitter. Criteria: GeneDx Variant Classification (06012015). Collection method: clinical testing. Allele origin: germline. Affected: yes.
Comment: This variant is considered likely benign or benign based on one or more of the following criteria: it is a conservative change, it occurs at a poorly conserved position in the protein, it is predicted to be benign by multiple in silico algorithms, and/or has population frequency not consistent with disease.